The following is an entry in ClinVar:

ClinVar aggregate classification (germline): Benign/Likely benign. Review status: criteria provided, multiple submitters, no conflicts (2 of 4 stars). 3 submissions from 3 submitters: Benign (1); Likely benign (2). Last evaluated 2024-12-11.

Conditions:
Hereditary leiomyomatosis and renal cell cancer. Also called: MULTIPLE CUTANEOUS AND UTERINE LEIOMYOMATA 1, WITH OR WITHOUT RENAL CELL CARCINOMA; LEIOMYOMA, MULTIPLE CUTANEOUS; Reed syndrome; Multiple cutaneous and uterine leiomyomatosis; Cutaneous leiomyomata with uterine leiomyomata; Leiomyoma, hereditary multiple, of skin. Identifiers: Orphanet 523, MedGen C1708350, MONDO:0007888, OMIM 150800, HP:0007437. Disease mechanism: loss of function.
Hereditary cancer-predisposing syndrome. Also called: Neoplastic Syndromes, Hereditary; Tumor predisposition; Hereditary Cancer Syndrome; Hereditary neoplastic syndrome. Identifiers: Orphanet 140162, MedGen C0027672, MeSH D009386, MONDO:0015356.

gnomAD v4.1: 2 of 1,547,770 alleles (0.00013%); highest among the groups gnomAD compares: Non-Finnish European, 0.00017%; no homozygotes.

Submissions (3):

Labcorp Genetics (formerly Invitae), Labcorp
Classification: Likely benign. Last evaluated: 2024-12-11. Review status: criteria provided, single submitter. Criteria: Invitae Variant Classification Sherloc (09022015). Collection method: clinical testing. Allele origin: germline.

Myriad Genetics, Inc.
Classification: Benign for Hereditary leiomyomatosis and renal cell cancer. Last evaluated: 2024-10-17. Review status: criteria provided, single submitter. Criteria: Myriad Autosomal Dominant, Autosomal Recessive and X-Linked Classification Criteria (2023). Collection method: clinical testing. Allele origin: unknown.
Comment: This variant is considered benign. This variant is a silent/synonymous amino acid change and it is not expected to impact splicing.

Ambry Genetics
Classification: Likely benign for Hereditary cancer-predisposing syndrome. Last evaluated: 2022-08-16. Review status: criteria provided, single submitter. Criteria: Ambry Variant Classification Scheme 2023. Collection method: clinical testing. Allele origin: germline.

NM_000143.4(FH):c.105G>T (p.Ser35=)

Gene: FH (fumarate hydratase; minus strand). Cytogenetic location: 1q43.
Variant type: single nucleotide variant.
Coding change: c.105G>T on transcript NM_000143.4 (MANE Select); coding-DNA position 105, G replaced by T.
Protein change: p.Ser35=; no amino-acid change (serine 35 retained).
Molecular consequence: synonymous variant.
Genome position (GRCh38, 1-based): chr1:241,519,618, C>A on the plus strand (G>T on the coding strand, the complement: FH is on the minus strand). VCF-style: chr1-241519618-C-A. GRCh37 (hg19) VCF-style: chr1-241682918-C-A.
Identifiers: ClinVar variation 1780009 (VCV001780009.8), dbSNP rs181655698, ClinGen allele CA40337921.